The following is an entry in ClinVar:

NM_020877.5(DNAH2):c.12128T>G (p.Ile4043Ser)

Gene: DNAH2 (dynein axonemal heavy chain 2; plus strand). Cytogenetic location: 17p13.1.
Variant type: single nucleotide variant.
Coding change: c.12128T>G on transcript NM_020877.5 (MANE Select); coding-DNA position 12128, T replaced by G.
Protein change: p.Ile4043Ser; replaces isoleucine 4043 with serine.
Molecular consequence: missense variant.
Genome position (GRCh38, 1-based): chr17:7,830,740, T>G. VCF-style: chr17-7830740-T-G. GRCh37 (hg19) VCF-style: chr17-7734058-T-G.
Other names: c.12128T>G (NM_020877.3, NM_020877.2); short protein forms I4043S.
Identifiers: ClinVar variation 3770929 (VCV003770929.14).
Genomic context (GRCh38, chr17:7,830,740, plus strand): 5'-TCTATCTCGATGAGTACGAGGAGACACCTTGGGACGCACTTAAGTACCTCATTGCCGGCA[T>G]CAACTATGGTGGACATGTCACAGATGACTGGGACCGGCGCCTGCTGACCACCTACATCAA-3'
Protein context (NP_065928.2, residues 4033-4053): WDALKYLIAG[Ile4043Ser]NYGGHVTDDW

ClinVar aggregate classification (germline): Uncertain significance. Review status: criteria provided, multiple submitters, no conflicts (2 of 4 stars). 3 submissions from 3 submitters: Uncertain significance (3). Last evaluated 2025-05-21.

Conditions:
DNAH2-related disorder. Also called: DNAH2-related condition.
Inborn genetic diseases. Identifiers: MedGen C0950123, MeSH D030342.

gnomAD v4.1: 247 of 1,614,158 alleles (0.015%); highest among the groups gnomAD compares: Admixed American, 0.017%; no homozygotes.

Submissions (3):

Ambry Genetics
Classification: Uncertain significance for Inborn genetic diseases. Last evaluated: 2025-05-21. Review status: criteria provided, single submitter. Criteria: Ambry Variant Classification Scheme 2023. Collection method: clinical testing. Allele origin: germline.

PreventionGenetics, part of Exact Sciences
Classification: Uncertain significance for DNAH2-related condition. Last evaluated: 2025-02-04. Review status: criteria provided, single submitter. Criteria: ACMG Guidelines, 2015. Collection method: clinical testing. Allele origin: germline.
Comment: The DNAH2 c.12128T>G variant is predicted to result in the amino acid substitution p.Ile4043Ser. To our knowledge, this variant has not been reported in the literature. This variant is reported in 0.044% of alleles in individuals of European (Finnish) descent in gnomAD. At this time, the clinical significance of this variant is uncertain due to the absence of conclusive functional and genetic evidence.

CeGaT Center for Human Genetics Tuebingen
Classification: Uncertain significance. Last evaluated: 2025-02-01. Review status: criteria provided, single submitter. Criteria: CeGaT Center For Human Genetics Tuebingen Variant Classification Criteria Version 2. Collection method: clinical testing. Allele origin: germline. Affected: yes. Observed: 1 variant allele.
Comment: DNAH2: PM2, BP4